The following is an entry in ClinVar:

ClinVar aggregate classification (germline): Likely pathogenic. Review status: criteria provided, multiple submitters, no conflicts (2 of 4 stars). 3 submissions from 3 submitters: Likely pathogenic (2). 1 of the submissions does not count toward it. Last evaluated 2025-03-17.

Conditions:
VPS13B-related disorder. Also called: VPS13B-related condition.
Cohen syndrome (COH1). Also called: Cutis verticis gyrata, retinitis pigmentosa, and sensorineural deafness; PEPPER SYNDROME. Identifiers: Orphanet 193, MedGen C0265223, MONDO:0008999, OMIM 216550.

Submissions (3):

PreventionGenetics, part of Exact Sciences
Classification: Likely pathogenic for VPS13B-related condition. Last evaluated: 2025-03-17. Review status: criteria provided, single submitter. Criteria: ACMG Guidelines, 2015. Collection method: clinical testing. Allele origin: germline.
Comment: The VPS13B c.9934_9942+5del14 variant is predicted to result in a deletion affecting a canonical splice site. To our knowledge, this variant has not been reported in the literature or in a large population database (gnomAD), indicating this variant is rare. This variant is interpreted as likely pathogenic in ClinVar. Variants that disrupt the consensus splice donor site in VPS13B are expected to be pathogenic. This variant is interpreted as likely pathogenic.

Labcorp Genetics (formerly Invitae), Labcorp
Classification: Likely pathogenic for Cohen syndrome. Last evaluated: 2021-11-27. Review status: criteria provided, single submitter. Criteria: Invitae Variant Classification Sherloc (09022015). Collection method: clinical testing. Allele origin: germline.
Comment: This variant results in the deletion of part of exon 54 (c.10009_10017+5del) of the VPS13B gene. It is expected to disrupt RNA splicing. Variants that disrupt the donor or acceptor splice site typically lead to a loss of protein function (PMID: 16199547), and loss-of-function variants in VPS13B are known to be pathogenic (PMID: 15141358, 16648375, 20461111). This variant is not present in population databases (gnomAD no frequency). This variant has not been reported in the literature in individuals affected with VPS13B-related conditions. ClinVar contains an entry for this variant (Variation ID: 553534). Algorithms developed to predict the effect of sequence changes on RNA splicing suggest that this variant may disrupt the consensus splice site. In summary, the currently available evidence indicates that the variant is pathogenic, but additional data are needed to prove that conclusively. Therefore, this variant has been classified as Likely Pathogenic.

Counsyl
Classification: Likely pathogenic for Cohen syndrome. Last evaluated: 2017-08-24. Review status: no assertion criteria provided. Collection method: clinical testing. Allele origin: unknown. Not counted in ClinVar's aggregate classification.

Literature cited by the submitters: PubMed 16199547 (cited by Labcorp Genetics (formerly Invitae), Labcorp); PubMed 15141358 (cited by Labcorp Genetics (formerly Invitae), Labcorp); PubMed 16648375 (cited by Labcorp Genetics (formerly Invitae), Labcorp); PubMed 20461111 (cited by Labcorp Genetics (formerly Invitae), Labcorp).

NM_152564.5(VPS13B):c.9934_9942+5del

Gene: VPS13B (vacuolar protein sorting 13 homolog B; plus strand). Cytogenetic location: 8q22.2.
Variant type: Deletion.
Coding change: c.9934_9942+5del on transcript NM_152564.5 (MANE Select); coding-DNA position 9934 through 5 bases into the intron after coding-DNA position 9942, 14 bases deleted (GGAACACAGGTCAG).
Molecular consequence: splice donor variant.
Genome position (GRCh38, 1-based): chr8:99,835,730-99,835,743, GGAACACAGGTCAG deleted; deleting any 14 consecutive bases within chr8:99,835,725-99,835,743 gives the same sequence; the c. name uses the placement nearest the transcript's 3' end. VCF-style (leftmost placement, unchanged base first): chr8-99835724-AGTCAGGGAACACAG-A. GRCh37 (hg19) VCF-style: chr8-100847952-AGTCAGGGAACACAG-A.
Other names: c.10009_10017+5del (NM_017890.5); c.9934_9942+5del14 (NM_152564.4); c.10009_10017+5del14 (NM_017890.4).
Identifiers: ClinVar variation 553534 (VCV000553534.8), dbSNP rs1554575693, ClinGen allele CA658823168.
Genomic context (GRCh38, chr8:99,835,724, plus strand): 5'-TTGAGAGTTGAACCTCTAGATGAAGTAACAACTGAGTGGAGTGATGCCATTGACATCAAC[AGTCAGGGAACACAG>A]GTCAGTGAGCCATGTGTTCCTGCCAAGACCCAAAGAAAAATGCCCTTTTCTGAGGTTTTG-3'